The following is an entry in ClinVar:

NM_000520.6(HEXA):c.1073+1G>A

Gene: HEXA (hexosaminidase subunit alpha; minus strand). Cytogenetic location: 15q23.
Variant type: single nucleotide variant.
Coding change: c.1073+1G>A on transcript NM_000520.6 (MANE Select); the canonical splice donor site of the intron after coding-DNA position 1073, G replaced by A.
Molecular consequence: splice donor variant.
Genome position (GRCh38, 1-based): chr15:72,348,047, C>T on the plus strand (G>A on the coding strand, the complement: HEXA is on the minus strand). VCF-style: chr15-72348047-C-T. GRCh37 (hg19) VCF-style: chr15-72640388-C-T.
Other names: IVS9, G-A, +1; c.1106+1G>A (NM_001318825.2).
Identifiers: ClinVar variation 3920 (VCV000003920.217), dbSNP rs76173977, ClinGen allele CA221064.

ClinVar aggregate classification (germline): Pathogenic/Likely pathogenic. Review status: criteria provided, multiple submitters, no conflicts (2 of 4 stars). 26 submissions from 25 submitters: Pathogenic (23); Likely pathogenic (1). 2 of the submissions do not count toward it. Last evaluated 2026-06-22.

Conditions:
HEXA-related disorders.
HEXA-related disorder. Also called: HEXA-related condition.
Inborn genetic diseases. Identifiers: MedGen C0950123, MeSH D030342.
Tay-Sachs disease (TSD). Also called: HEXA DEFICIENCY; Hexosaminidase A Deficiency; HEXA Disorders; GM2 gangliosidosis, type 1; Hexosaminidase alpha-subunit deficiency (variant B); Sphingolipidosis, Tay-Sachs. Identifiers: Orphanet 845, MedGen C0039373, MONDO:0010100, OMIM 272800.

Allele frequency attached by ClinVar (database versions not stated): gnomAD exomes 0.00022 and 0.00065; gnomAD 0.00023 and 0.00021; TOPMed 0.00029; ESP Exome Variant Server 0.00031; 1000 Genomes Project 0.00040; ExAC 0.00023; 1000 Genomes Project 30x 0.00062.
gnomAD v4.1: 968 of 1,602,712 alleles (0.06%); highest among the groups gnomAD compares: Non-Finnish European, 0.08%; no homozygotes.

Submissions 1 to 11 of 32:

PreventionGenetics, part of Exact Sciences
Classification: Pathogenic for HEXA-related condition. Last evaluated: 2026-06-22. Review status: criteria provided, single submitter. Criteria: ACMG Guidelines, 2015. Collection method: clinical testing. Allele origin: germline.
Comment: The HEXA c.1073+1G>A variant is predicted to disrupt the GT donor site and interfere with normal splicing. This variant, also described as IVS9+1G>A, has been documented as causative for Tay-Sachs disease (Akli et al. 1991. PubMed ID: 1837283; Park et al. 2010. PubMed ID: 19858779; Májovská et al. 2024. PubMed ID: 38112342). This variant is reported in 0.039% of alleles in individuals of European (Non-Finnish) descent in gnomAD. This variant is interpreted as pathogenic.

Labcorp Genetics (formerly Invitae), Labcorp
Classification: Pathogenic for Tay-Sachs disease. Last evaluated: 2026-01-21. Review status: criteria provided, single submitter. Criteria: Invitae Variant Classification Sherloc (09022015). Collection method: clinical testing. Allele origin: germline.
Comment: This sequence change affects a donor splice site in intron 9 of the HEXA gene. It is expected to disrupt RNA splicing. Variants that disrupt the donor or acceptor splice site typically lead to a loss of protein function (PMID: 16199547), and loss-of-function variants in HEXA are known to be pathogenic (PMID: 1833974, 8490625). This variant is present in population databases (rs76173977, gnomAD 0.04%). Disruption of this splice site has been observed in individual(s) with Tay-Sachs disease (PMID: 1387685, 8490625, 19858779, 33426165). In at least one individual the data is consistent with being in trans (on the opposite chromosome) from a pathogenic variant. ClinVar contains an entry for this variant (Variation ID: 3920). Algorithms developed to predict the effect of sequence changes on RNA splicing suggest that this variant may disrupt the consensus splice site. For these reasons, this variant has been classified as Pathogenic.

Dasa
Classification: Pathogenic. Last evaluated: 2025-12-11. Review status: criteria provided, single submitter. Criteria: DASA Assertion Criteria. Collection method: clinical testing. Allele origin: germline.
Comment: NM_000520.6(HEXA):c.1073+1G>A affects a canonical splice site and is predicted to disrupt normal RNA splicing, leading to loss of normal protein function. Loss-of-function is an established mechanism of disease for this gene. This variant has been recurrently observed in individuals with related phenotype (PMID: 1307230; PMID: 8444467; PMID: 31076878; PMID: 33426165). The variant is present at low frequency in population datasets. Based on the available data, this variant is classified as pathogenic.

Natera, Inc.
Classification: Pathogenic for Tay-Sachs disease. Last evaluated: 2025-08-28. Review status: criteria provided, single submitter. Criteria: Natera Variant Classification Schema (03/2026). Collection method: clinical testing. Allele origin: germline.
Comment: The c.1073+1G>A variant in HEXA is a canonical splice donor site variant predicted to affect pre-mRNA splicing, which may result in an abnormal transcript and altered protein product. This variant is expected to result in nonsense mediated decay, truncation, or a dysfunctional protein product. This variant is rare in the general population with a frequency below the threshold expected for the associated phenotype(s). This variant has been observed in one or more individuals affected with the associated recessive disease, as either homozygous or compound heterozygous with a second variant (PMID: 25557439, 7858168). Given the available evidence, this variant is classified as Pathogenic.

ARUP Laboratories, Molecular Genetics and Genomics, ARUP Laboratories
Classification: Pathogenic. Last evaluated: 2025-06-12. Review status: criteria provided, single submitter. Criteria: ARUP Molecular Germline Variant Investigation Process 2024. Collection method: clinical testing. Allele origin: germline.
Comment: The HEXA c.1073+1G>A variant (rs76173977, ClinVar Variation ID: 3920), also known as IVS9 +1 G>A, is a recurrent alteration in individuals diagnosed with Tay-Sachs disease (Akerman 1992, Akli 1993, Landels 1992, Landels 1993, McDowell 1992). This variant is found in the general population with an overall allele frequency of 0.02% (57/282606 alleles) in the Genome Aggregation Database (v2.1.1). This variant disrupts the canonical splice donor site of intron 9, which is likely to negatively impact gene function. Functional characterization of the variant indicates aberrant splicing, leading to the inclusion of 17 nucleotides of intron 9 and destabilization of the mRNA (Akerman 1992, Akli 1993, Landels 1992). Based available information, the variant is considered to be pathogenic. References: Akerman B et al. A mutation common in non-Jewish Tay-Sachs disease: frequency and RNA studies. Hum Mutat. 1992; 1(4):303-9. PMID: 1301938 Akli S et al. A null allele frequent in non-Jewish Tay-Sachs patients. Hum Genet. 1993; 90(6):614-20. PMID: 8444467 Landels E et al. Beta-hexosaminidase splice site mutation has a high frequency among non-Jewish Tay-Sachs disease carriers from the British Isles. J Med Genet. 1992; 29(8):563-7. PMID: 1387685 Landels E et al. Further investigation of the HEXA gene intron 9 donor splice site mutation frequently found in non-Jewish Tay-Sachs disease patients from the British Isles. J Med Genet. 1993; 30(6):479-81. PMID: 8326491 McDowell G et al. The presence of two different infantile Tay-Sachs disease mutations in a Cajun population. Am J Hum Genet. 1992; 51(5):1071-7. PMID: 8326491

Blueprint Genetics
Classification: Pathogenic for HEXA-related disorders. Last evaluated: 2024-11-13. Review status: criteria provided, single submitter. Criteria: ACMG Guidelines, 2015. Collection method: clinical testing. Allele origin: germline. Affected: yes. Observed: 5 variant alleles.

Mayo Clinic Laboratories, Mayo Clinic
Classification: Pathogenic. Last evaluated: 2024-08-27. Review status: criteria provided, single submitter. Criteria: ACMG Guidelines, 2015. Collection method: clinical testing. Allele origin: germline. Observed: 2 variant alleles.
Comment: PP1_strong, PM2_moderate, PM3_very_strong, PVS1_moderate

Quest Diagnostics Nichols Institute San Juan Capistrano
Classification: Pathogenic. Last evaluated: 2024-06-12. Review status: criteria provided, single submitter. Criteria: Quest Diagnostics criteria. Collection method: clinical testing. Allele origin: unknown.
Comment: The HEXA c.1073+1G>A variant disrupts a canonical splice-donor site and interferes with normal HEXA mRNA splicing (PMIDs: 1301938 (1992), 1387685 (1992)). In the published literature, this variant has been reported in individuals/families affected with the classic, infantile form of Tay-Sachs disease (also known as GM2 gangliosidosis) (PMIDs: 1307230 (1992), 8444467 (1993)) and with a late-onset form of the disease (LOTS) (PMIDs: 31076878 (2019), 33426165 (2021)). The frequency of this variant in the general population, 0.00059 (30/50744 chromosomes (Genome Aggregation Database)), is consistent with pathogenicity. Based on the available information, this variant is classified as pathogenic.

Genetic Services Laboratory, University of Chicago
Classification: Pathogenic. Last evaluated: 2023-09-08. Review status: criteria provided, single submitter. Criteria: ACMG Guidelines, 2015. Collection method: clinical testing. Allele origin: germline. Affected: yes.
Comment: DNA sequence analysis of the HEXA gene demonstrated a sequence change in the canonical splice donor site of intron 9, c.1073+1G>A. This sequence change has been previously described in individuals with individuals with Tay-Sachs disease (PMID: 1387685, 8326491, 8490625, 22789865, 19858779) and is one of the most commonly reported pathogenic variant in the non-Ashkenazi Jewish population of European origin. This sequence change has been described in the gnomAD database with a frequency of 0.038% in the European subpopulation (dbSNP rs76173977). This sequence change is predicted to affect normal splicing of the HEXA gene and result in an abnormal protein. Collectively, this evidence indicates that this sequence change is pathogenic.

CeGaT Center for Human Genetics Tuebingen
Classification: Pathogenic. Last evaluated: 2022-10-01. Review status: criteria provided, single submitter. Criteria: CeGaT Center For Human Genetics Tuebingen Variant Classification Criteria Version 2. Collection method: clinical testing. Allele origin: germline. Affected: yes. Observed: 2 variant alleles.
Comment: HEXA: PVS1, PM2, PM3

Fulgent Genetics
Classification: Pathogenic for Tay-Sachs disease. Last evaluated: 2022-03-25. Review status: criteria provided, single submitter. Criteria: ACMG Guidelines, 2015. Collection method: clinical testing. Allele origin: unknown.